The following is an entry in ClinVar:

NM_181836.6(TMED7):c.5C>G (p.Pro2Arg)

Genes: TMED7 (transmembrane p24 trafficking protein 7; minus strand), TMED7-TICAM2 (TMED7-TICAM2 readthrough; minus strand). Cytogenetic location: 5q22.3.
Variant type: single nucleotide variant.
Coding change: c.5C>G on transcript NM_181836.6 (MANE Select); coding-DNA position 5, C replaced by G.
Protein change: p.Pro2Arg; replaces proline 2 with arginine.
Molecular consequence: missense variant.
Genome position (GRCh38, 1-based): chr5:115,625,788, G>C on the plus strand (C>G on the coding strand, the complement: TMED7 is on the minus strand). VCF-style: chr5-115625788-G-C. GRCh37 (hg19) VCF-style: chr5-114961485-G-C.
Other names: c.5C>G, p.Pro2Arg (NM_001164468.4, NM_001164469.4); short protein forms P2R.
Identifiers: ClinVar variation 1953862 (VCV001953862.5), dbSNP rs1407932750, ClinGen allele CA360714479.

ClinVar aggregate classification (germline): Uncertain significance (1 of 4 stars; one submission).

Allele frequency attached by ClinVar (database versions not stated): TOPMed below 0.00001.

Submission:

Labcorp Genetics (formerly Invitae), Labcorp
Classification: Uncertain significance. Last evaluated: 2022-06-15. Review status: criteria provided, single submitter. Criteria: Invitae Variant Classification Sherloc (09022015). Collection method: clinical testing. Allele origin: germline.
Comment: In summary, the available evidence is currently insufficient to determine the role of this variant in disease. Therefore, it has been classified as a Variant of Uncertain Significance. This sequence change replaces proline, which is neutral and non-polar, with arginine, which is basic and polar, at codon 2 of the TMED7 protein (p.Pro2Arg). Algorithms developed to predict the effect of missense changes on protein structure and function (SIFT, PolyPhen-2, Align-GVGD) all suggest that this variant is likely to be tolerated. This variant is not present in population databases (gnomAD no frequency). This variant has not been reported in the literature in individuals affected with TMED7-related conditions.